The following is an entry in ClinVar:

ClinVar aggregate classification (germline): Likely benign. Review status: criteria provided, multiple submitters, no conflicts (2 of 4 stars). 2 submissions from 2 submitters: Likely benign (2). Last evaluated 2026-09-01.

Conditions:
Dilated cardiomyopathy 1G (CMD1G). Identifiers: Orphanet 154, MedGen C1858763, MONDO:0011400, OMIM 604145.
Autosomal recessive limb-girdle muscular dystrophy type 2J (LGMDR10). Also called: MUSCULAR DYSTROPHY, LIMB-GIRDLE, AUTOSOMAL RECESSIVE 10; Limb-girdle muscular dystrophy, type 2J. Identifiers: Orphanet 140922, MedGen C1837342, MONDO:0012127, OMIM 608807.

gnomAD v4.1: 2 of 1,613,186 alleles (0.00012%); highest among the groups gnomAD compares: Non-Finnish European, 0.00017%; no homozygotes.

Submissions (2):

CeGaT Center for Human Genetics Tuebingen
Classification: Likely benign. Last evaluated: 2026-09-01. Review status: criteria provided, single submitter. Criteria: CeGaT Center For Human Genetics Tuebingen Variant Classification Criteria Version 2. Collection method: clinical testing. Allele origin: germline. Affected: yes. Observed: 1 variant allele.
Comment: TTN: BP4, BP7

Labcorp Genetics (formerly Invitae), Labcorp
Classification: Likely benign for Dilated cardiomyopathy 1G; Autosomal recessive limb-girdle muscular dystrophy type 2J. Last evaluated: 2024-06-12. Review status: criteria provided, single submitter. Criteria: Invitae Variant Classification Sherloc (09022015). Collection method: clinical testing. Allele origin: germline.

NM_001267550.2(TTN):c.98031T>C (p.Ala32677=)

Genes: TTN (titin; minus strand), TTN-AS1 (TTN antisense RNA 1; plus strand). Cytogenetic location: 2q31.2.
Variant type: single nucleotide variant.
Coding change: c.98031T>C on transcript NM_001267550.2 (MANE Select); coding-DNA position 98031, T replaced by C.
Protein change: p.Ala32677=; no amino-acid change (alanine 32677 retained).
Molecular consequence: synonymous variant. On other transcripts: non-coding transcript variant (1).
Genome position (GRCh38, 1-based): chr2:178,540,135, A>G on the plus strand (T>C on the coding strand, the complement: TTN is on the minus strand). VCF-style: chr2-178540135-A-G. GRCh37 (hg19) VCF-style: chr2-179404862-A-G.
Other names: c.70836T>C, p.Ala23612= (NM_003319.4); c.90327T>C, p.Ala30109= (NM_133378.4); c.71211T>C, p.Ala23737= (NM_133432.3); c.71412T>C, p.Ala23804= (NM_133437.4); c.93108T>C, p.Ala31036= (NM_001256850.1).
Identifiers: ClinVar variation 3751716 (VCV003751716.3).